The following is an entry in ClinVar:

NM_002693.3(POLG):c.1511A>G (p.Lys504Arg)

Gene: POLG (DNA polymerase gamma, catalytic subunit; minus strand). Cytogenetic location: 15q26.1.
Variant type: single nucleotide variant.
Coding change: c.1511A>G on transcript NM_002693.3 (MANE Select); coding-DNA position 1511, A replaced by G.
Protein change: p.Lys504Arg; replaces lysine 504 with arginine.
Molecular consequence: missense variant.
Genome position (GRCh38, 1-based): chr15:89,326,986, T>C on the plus strand (A>G on the coding strand, the complement: POLG is on the minus strand). VCF-style: chr15-89326986-T-C. GRCh37 (hg19) VCF-style: chr15-89870217-T-C.
Other names: c.1511A>G, p.Lys504Arg (NM_001126131.2); short protein forms K504R.
Identifiers: ClinVar variation 4992802 (VCV004992802.1).

ClinVar aggregate classification (germline): Uncertain significance (1 of 4 stars; one submission).

Conditions:
POLG-related disorder. Also called: POLG-Related Spectrum Disorders; POLG-related condition; POLG-Related Disorders. Identifiers: MedGen C4763519.

Submission:

PreventionGenetics, part of Exact Sciences
Classification: Uncertain significance for POLG-related condition. Last evaluated: 2026-03-18. Review status: criteria provided, single submitter. Criteria: ACMG Guidelines, 2015. Collection method: clinical testing. Allele origin: germline.
Comment: The POLG c.1511A>G variant is predicted to result in the amino acid substitution p.Lys504Arg. To our knowledge, this variant has not been reported in the literature or in a large population database (gnomAD), indicating this variant is rare. At this time, the clinical significance of this variant is uncertain due to the absence of conclusive functional and genetic evidence.